The following is an entry in ClinVar:

ClinVar aggregate classification (germline): Likely pathogenic (1 of 4 stars; one submission).

Conditions:
Mucopolysaccharidosis, MPS-IV-A (MPS4A). Also called: Mucopolysaccharidosis type IV A; Mucopolysaccharidosis Type IVA; Morquio syndrome A, mild; MORQUIO SYNDROME A; MPS IVA; mucopolysaccharidosis type 4A. Identifiers: Orphanet 309297, Orphanet 582, MedGen C0086651, MONDO:0009659, OMIM 253000.

Submission:

Labcorp Genetics (formerly Invitae), Labcorp
Classification: Likely pathogenic for Mucopolysaccharidosis, MPS-IV-A. Last evaluated: 2023-01-23. Review status: criteria provided, single submitter. Criteria: Invitae Variant Classification Sherloc (09022015). Collection method: clinical testing. Allele origin: germline.
Comment: This variant is not present in population databases (gnomAD no frequency). In summary, the currently available evidence indicates that the variant is pathogenic, but additional data are needed to prove that conclusively. Therefore, this variant has been classified as Likely Pathogenic. Algorithms developed to predict the effect of sequence changes on RNA splicing suggest that this variant may disrupt the consensus splice site. ClinVar contains an entry for this variant (Variation ID: 1066014). Disruption of this splice site has been observed in individual(s) with clinical features of mucopolysaccharidosis type IVA (PMID: 9375852; Invitae). This sequence change affects a donor splice site in intron 4 of the GALNS gene. It is expected to disrupt RNA splicing. Variants that disrupt the donor or acceptor splice site typically lead to a loss of protein function (PMID: 16199547), and loss-of-function variants in GALNS are known to be pathogenic (PMID: 12442278).

Literature cited by the submitters: PubMed 9375852; PubMed 16199547; PubMed 12442278.

NM_000512.5(GALNS):c.422+2T>G

Gene: GALNS (galactosamine (N-acetyl)-6-sulfatase; minus strand). Cytogenetic location: 16q24.3.
Variant type: single nucleotide variant.
Coding change: c.422+2T>G on transcript NM_000512.5 (MANE Select); the canonical splice donor site of the intron after coding-DNA position 422, T replaced by G.
Molecular consequence: splice donor variant.
Genome position (GRCh38, 1-based): chr16:88,840,990, A>C on the plus strand (T>G on the coding strand, the complement: GALNS is on the minus strand). VCF-style: chr16-88840990-A-C. GRCh37 (hg19) VCF-style: chr16-88907398-A-C.
Other names: c.-134+2T>G (NM_001323543.2); c.440+2T>G (NM_001323544.2).
Identifiers: ClinVar variation 1066014 (VCV001066014.7), dbSNP rs2143004585, ClinGen allele CA397087496.